The following is an entry in ClinVar:

NM_000492.4(CFTR):c.941G>T (p.Gly314Val)

Gene: CFTR (CF transmembrane conductance regulator; plus strand). Cytogenetic location: 7q31.2.
Variant type: single nucleotide variant.
Coding change: c.941G>T on transcript NM_000492.4 (MANE Select); coding-DNA position 941, G replaced by T.
Protein change: p.Gly314Val; replaces glycine 314 with valine.
Molecular consequence: missense variant.
Genome position (GRCh38, 1-based): chr7:117,540,171, G>T. VCF-style: chr7-117540171-G-T. GRCh37 (hg19) VCF-style: chr7-117180225-G-T.
Other names: short protein forms G314V.
Identifiers: ClinVar variation 2691472 (VCV002691472.7), dbSNP rs75763344, ClinGen allele CA327697.

ClinVar aggregate classification (germline): Uncertain significance. Review status: criteria provided, multiple submitters, no conflicts (2 of 4 stars). 2 submissions from 2 submitters: Uncertain significance (2). Last evaluated 2026-01-11.

Conditions:
Cystic fibrosis (CF). Also called: MUCOVISCIDOSIS. Identifiers: Orphanet 586, MedGen C0010674, MONDO:0009061, OMIM 219700. Disease mechanism: loss of function.

Submissions (2):

Women's Health and Genetics/Laboratory Corporation of America, LabCorp
Classification: Uncertain significance. Last evaluated: 2026-01-11. Review status: criteria provided, single submitter. Criteria: LabCorp Variant Classification Summary - May 2015. Collection method: clinical testing. Allele origin: germline.
Comment: Variant summary: CFTR c.941G>T (p.Gly314Val) results in a non-conservative amino acid change located in the ABC transporter type 1, transmembrane domain (IPR011527) of the encoded protein sequence. Algorithms developed to predict the effect of missense changes on protein structure and function all suggest that this variant is likely to be disruptive. The variant was absent in 251236 control chromosomes. c.941G>T has been observed in individual(s) affected with Cystic Fibrosis (example: Claustres_2000). These data indicate that the variant may be associated with disease. Different variants affecting the same codon has been classified as likely pathogenic/pathogenic by our lab (p.Gly314Glu, and p.Gly314Arg), supporting the critical relevance of codon 314 to CFTR protein function. To our knowledge, no experimental evidence demonstrating an impact on protein function has been reported. The following publication has been ascertained in the context of this evaluation (PMID: 10923036). ClinVar contains an entry for this variant (Variation ID: 2691472). Based on the evidence outlined above, the variant was classified as VUS-possibly pathogenic.

Labcorp Genetics (formerly Invitae), Labcorp
Classification: Uncertain significance for Cystic fibrosis. Last evaluated: 2024-09-21. Review status: criteria provided, single submitter. Criteria: Invitae Variant Classification Sherloc (09022015). Collection method: clinical testing. Allele origin: germline.
Comment: This sequence change replaces glycine, which is neutral and non-polar, with valine, which is neutral and non-polar, at codon 314 of the CFTR protein (p.Gly314Val). This variant is not present in population databases (gnomAD no frequency). This missense change has been observed in individual(s) with cystic fibrosis (PMID: 10923036). Invitae Evidence Modeling of protein sequence and biophysical properties (such as structural, functional, and spatial information, amino acid conservation, physicochemical variation, residue mobility, and thermodynamic stability) indicates that this missense variant is not expected to disrupt CFTR protein function with a negative predictive value of 80%. This variant disrupts the p.Gly314 amino acid residue in CFTR. Other variant(s) that disrupt this residue have been determined to be pathogenic (PMID: 7509684, 9512029, 18178635). This suggests that this residue is clinically significant, and that variants that disrupt this residue are likely to be disease-causing. In summary, the available evidence is currently insufficient to determine the role of this variant in disease. Therefore, it has been classified as a Variant of Uncertain Significance.

Literature cited by the submitters: PubMed 10923036 (cited by Women's Health and Genetics/Laboratory Corporation of America, LabCorp and Labcorp Genetics (formerly Invitae), Labcorp); PubMed 7509684 (cited by Labcorp Genetics (formerly Invitae), Labcorp); PubMed 9512029 (cited by Labcorp Genetics (formerly Invitae), Labcorp); PubMed 18178635 (cited by Labcorp Genetics (formerly Invitae), Labcorp).